The following is an entry in ClinVar:

NM_001358530.2(MOCS1):c.77C>T (p.Pro26Leu)

Gene: MOCS1 (molybdenum cofactor synthesis 1; minus strand). Cytogenetic location: 6p21.2.
Variant type: single nucleotide variant.
Coding change: c.77C>T on transcript NM_001358530.2 (MANE Select); coding-DNA position 77, C replaced by T.
Protein change: p.Pro26Leu; replaces proline 26 with leucine.
Molecular consequence: missense variant. On other transcripts: 5 prime UTR variant (2), non-coding transcript variant (1).
Genome position (GRCh38, 1-based): chr6:39,934,341, G>A on the plus strand (C>T on the coding strand, the complement: MOCS1 is on the minus strand). VCF-style: chr6-39934341-G-A. GRCh37 (hg19) VCF-style: chr6-39902080-G-A.
Other names: c.77C>T, p.Pro26Leu (NM_001075098.4, NM_001358529.2); c.-58C>T (NM_001358531.2, NM_001358533.2); short protein forms P26L.
Identifiers: ClinVar variation 969332 (VCV000969332.8), dbSNP rs749631517, ClinGen allele CA364030547.

ClinVar aggregate classification (germline): Uncertain significance. Review status: criteria provided, multiple submitters, no conflicts (2 of 4 stars). 2 submissions from 2 submitters: Uncertain significance (2). Last evaluated 2024-08-12.

Conditions:
Inborn genetic diseases. Identifiers: MedGen C0950123, MeSH D030342.
Sulfite oxidase deficiency due to molybdenum cofactor deficiency type A. Also called: Molybdenum Cofactor Deficiency A; Molybdenum cofactor deficiency, complementation group A. Identifiers: Orphanet 308386, Orphanet 833, MedGen C1854988, MONDO:0009643, OMIM 252150.

Allele frequency attached by ClinVar (database versions not stated): TOPMed 0.00001.

Submissions (2):

Ambry Genetics
Classification: Uncertain significance for Inborn genetic diseases. Last evaluated: 2024-08-12. Review status: criteria provided, single submitter. Criteria: Ambry Variant Classification Scheme 2023. Collection method: clinical testing. Allele origin: germline.

Labcorp Genetics (formerly Invitae), Labcorp
Classification: Uncertain significance for Sulfite oxidase deficiency due to molybdenum cofactor deficiency type A. Last evaluated: 2021-08-30. Review status: criteria provided, single submitter. Criteria: Invitae Variant Classification Sherloc (09022015). Collection method: clinical testing. Allele origin: germline.
Comment: This sequence change replaces proline with leucine at codon 26 of the MOCS1 protein (p.Pro26Leu). The proline residue is moderately conserved and there is a moderate physicochemical difference between proline and leucine. The frequency data for this variant in the population databases is considered unreliable, as metrics indicate insufficient coverage at this position in the ExAC database. This variant has not been reported in the literature in individuals affected with MOCS1-related conditions. Algorithms developed to predict the effect of missense changes on protein structure and function are either unavailable or do not agree on the potential impact of this missense change (SIFT: "Tolerated"; PolyPhen-2: "Probably Damaging"; Align-GVGD: "Class C0"). In summary, the available evidence is currently insufficient to determine the role of this variant in disease. Therefore, it has been classified as a Variant of Uncertain Significance.